The following is an entry in ClinVar:

ClinVar aggregate classification (germline): Uncertain significance (1 of 4 stars; one submission).

Conditions:
Developmental and epileptic encephalopathy, 34 (DEE34). Also called: SLC12A5-Related Epilepsy of Infancy with Migrating Focal Seizures; Early infantile epileptic encephalopathy 34. Identifiers: Orphanet 293181, MedGen C4225257, MONDO:0014718, OMIM 616645.

Submission:

Labcorp Genetics (formerly Invitae), Labcorp
Classification: Uncertain significance for Developmental and epileptic encephalopathy, 34. Last evaluated: 2022-07-11. Review status: criteria provided, single submitter. Criteria: Invitae Variant Classification Sherloc (09022015). Collection method: clinical testing. Allele origin: germline.
Comment: In summary, the available evidence is currently insufficient to determine the role of this variant in disease. Therefore, it has been classified as a Variant of Uncertain Significance. Variants that disrupt the consensus splice site are a relatively common cause of aberrant splicing (PMID: 17576681, 9536098). Algorithms developed to predict the effect of sequence changes on RNA splicing suggest that this variant is not likely to affect RNA splicing. This variant has not been reported in the literature in individuals affected with SLC12A5-related conditions. This variant is not present in population databases (gnomAD no frequency). This sequence change falls in intron 17 of the SLC12A5 gene. It does not directly change the encoded amino acid sequence of the SLC12A5 protein. It affects a nucleotide within the consensus splice site.

Literature cited by the submitters: PubMed 17576681; PubMed 9536098.

NM_020708.5(SLC12A5):c.2181+3G>A

Gene: SLC12A5 (solute carrier family 12 member 5; plus strand). Cytogenetic location: 20q13.12.
Variant type: single nucleotide variant.
Coding change: c.2181+3G>A on transcript NM_020708.5 (MANE Select); 3 bases into the intron after coding-DNA position 2181, G replaced by A.
Molecular consequence: intron variant.
Genome position (GRCh38, 1-based): chr20:46,049,793, G>A. VCF-style: chr20-46049793-G-A. GRCh37 (hg19) VCF-style: chr20-44678432-G-A.
Other names: c.2250+3G>A (NM_001134771.2).
Identifiers: ClinVar variation 1972822 (VCV001972822.5), dbSNP rs2515647819, ClinGen allele CA2580098247.
Genomic context (GRCh38, chr20:46,049,793, plus strand): 5'-CTCTGTCCTTGAGGGCACCTTTCTGGAAAATCATCCACAGGCCCAGCGGGCAGAAGAGGT[G>A]AGCAGAGGCCCTGGTTGGGCTTGGGAAAAGGTCAGGACACTTAGGAAGACAGTCTCTATC-3'